The following is an entry in ClinVar:

NM_005045.4(RELN):c.1891G>T (p.Gly631Trp)

Gene: RELN (reelin; minus strand). Cytogenetic location: 7q22.1.
Variant type: single nucleotide variant.
Coding change: c.1891G>T on transcript NM_005045.4 (MANE Select); coding-DNA position 1891, G replaced by T.
Protein change: p.Gly631Trp; replaces glycine 631 with tryptophan.
Molecular consequence: missense variant.
Genome position (GRCh38, 1-based): chr7:103,651,662, C>A on the plus strand (G>T on the coding strand, the complement: RELN is on the minus strand). VCF-style: chr7-103651662-C-A. GRCh37 (hg19) VCF-style: chr7-103292109-C-A.
Other names: c.1891G>T, p.Gly631Trp (NM_173054.3); short protein forms G631W.
Identifiers: ClinVar variation 3750368 (VCV003750368.2).

ClinVar aggregate classification (germline): Uncertain significance (1 of 4 stars; one submission).

Conditions:
Familial temporal lobe epilepsy 7. Identifiers: Orphanet 101046, MedGen C4225327, MONDO:0014639, OMIM 616436.
Norman-Roberts syndrome (LIS2). Also called: Lissencephaly 2 (Norman-Roberts type). Identifiers: Orphanet 89844, MedGen C0796089, MONDO:0009760, OMIM 257320.

Submission:

Labcorp Genetics (formerly Invitae), Labcorp
Classification: Uncertain significance for Familial temporal lobe epilepsy 7; Norman-Roberts syndrome. Last evaluated: 2024-07-06. Review status: criteria provided, single submitter. Criteria: Invitae Variant Classification Sherloc (09022015). Collection method: clinical testing. Allele origin: germline.
Comment: This sequence change replaces glycine, which is neutral and non-polar, with tryptophan, which is neutral and slightly polar, at codon 631 of the RELN protein (p.Gly631Trp). This variant is not present in population databases (gnomAD no frequency). This variant has not been reported in the literature in individuals affected with RELN-related conditions. An algorithm developed to predict the effect of missense changes on protein structure and function (PolyPhen-2) suggests that this variant is likely to be disruptive. In summary, the available evidence is currently insufficient to determine the role of this variant in disease. Therefore, it has been classified as a Variant of Uncertain Significance.